The following is an entry in ClinVar:

ClinVar aggregate classification (germline): Uncertain significance (1 of 4 stars; one submission).

Allele frequency attached by ClinVar (database versions not stated): 1000 Genomes Project 30x 0.00016.

Submission:

Ambry Genetics
Classification: Uncertain significance. Last evaluated: 2022-11-27. Review status: criteria provided, single submitter. Criteria: Ambry Variant Classification Scheme 2023. Collection method: clinical testing. Allele origin: germline.
Comment: The p.D79E variant (also known as c.237T>G), located in coding exon 2 of the IDH1 gene, results from a T to G substitution at nucleotide position 237. The aspartic acid at codon 79 is replaced by glutamic acid, an amino acid with highly similar properties. This amino acid position is conserved. In addition, the in silico prediction for this alteration is inconclusive. Since supporting evidence is limited at this time, the clinical significance of this alteration remains unclear.

NM_005896.4(IDH1):c.237T>G (p.Asp79Glu)

Gene: IDH1 (isocitrate dehydrogenase (NADP(+)) 1; minus strand). Cytogenetic location: 2q34.
Variant type: single nucleotide variant.
Coding change: c.237T>G on transcript NM_005896.4 (MANE Select); coding-DNA position 237, T replaced by G.
Protein change: p.Asp79Glu; replaces aspartic acid 79 with glutamic acid.
Molecular consequence: missense variant.
Genome position (GRCh38, 1-based): chr2:208,248,546, A>C on the plus strand (T>G on the coding strand, the complement: IDH1 is on the minus strand). VCF-style: chr2-208248546-A-C. GRCh37 (hg19) VCF-style: chr2-209113270-A-C.
Other names: c.237T>G, p.Asp79Glu (NM_001282386.1, NM_001282387.1); short protein forms D79E.
Identifiers: ClinVar variation 2447300 (VCV002447300.2), dbSNP rs1245911068, ClinGen allele CA350102089.